The following is an entry in ClinVar:

NM_000059.4(BRCA2):c.7047T>A (p.Phe2349Leu)

Gene: BRCA2 (BRCA2 DNA repair associated; plus strand). Cytogenetic location: 13q13.1.
Variant type: single nucleotide variant.
Coding change: c.7047T>A on transcript NM_000059.4 (MANE Select); coding-DNA position 7047, T replaced by A.
Protein change: p.Phe2349Leu; replaces phenylalanine 2349 with leucine.
Molecular consequence: missense variant. On other transcripts: non-coding transcript variant (1).
Genome position (GRCh38, 1-based): chr13:32,354,900, T>A. VCF-style: chr13-32354900-T-A. GRCh37 (hg19) VCF-style: chr13-32929037-T-A.
Other names: c.6951T>A, p.Phe2317Leu (NM_001406719.1); c.7047T>A, p.Phe2349Leu (NM_001406720.1, NM_001432077.1); c.2115T>A, p.Phe705Leu (NM_001406721.1); c.630T>A, p.Phe210Leu (NM_001406722.1); short protein forms F210L, F2317L, F2349L, F705L.
Identifiers: ClinVar variation 4867794 (VCV004867794.1).
Genomic context (GRCh38, chr13:32,354,900, plus strand): 5'-TATATTTTCTCCCCATTGCAGCACAACTAAGGAACGTCAAGAGATACAGAATCCAAATTT[T>A]ACCGCACCTGGTCAAGAATTTCTGTCTAAATCTCATTTGTATGAACATCTGACTTTGGAA-3'
Protein context (NP_000050.3, residues 2339-2359): KERQEIQNPN[Phe2349Leu]TAPGQEFLSK

ClinVar aggregate classification (germline): Uncertain significance (1 of 4 stars; one submission).

Conditions:
Hereditary cancer-predisposing syndrome. Also called: Neoplastic Syndromes, Hereditary; Tumor predisposition; Hereditary Cancer Syndrome; Hereditary neoplastic syndrome. Identifiers: Orphanet 140162, MedGen C0027672, MeSH D009386, MONDO:0015356.

Submission:

Ambry Genetics
Classification: Uncertain significance for Hereditary cancer-predisposing syndrome. Last evaluated: 2026-03-26. Review status: criteria provided, single submitter. Criteria: Ambry Variant Classification Scheme 2023. Collection method: clinical testing. Allele origin: germline.
Comment: The p.F2349L variant (also known as c.7047T>A), located in coding exon 13 of the BRCA2 gene, results from a T to A substitution at nucleotide position 7047. The phenylalanine at codon 2349 is replaced by leucine, an amino acid with highly similar properties. This amino acid position is not well conserved in available vertebrate species. In addition, this alteration is predicted to be tolerated by in silico analysis. Based on the available evidence, the clinical significance of this variant remains unclear.